The following is an entry in ClinVar:

ClinVar aggregate classification (germline): Uncertain significance. Review status: criteria provided, single submitter (1 of 4 stars). 2 submissions from 2 submitters: Uncertain significance (1). 1 of the submissions does not count toward it. Last evaluated 2018-12-18.

Conditions:
Cranioectodermal dysplasia 1 (CED1). Also called: LEVIN SYNDROME I. Identifiers: Orphanet 1515, MedGen C0432235, MONDO:0021093, OMIM 218330.
IFT122-related disorder. Also called: IFT122-related condition.

Allele frequency attached by ClinVar (database versions not stated): ExAC below 0.00001; gnomAD exomes below 0.00001 and 0.00001.
gnomAD v4.1: 4 of 1,581,036 alleles (0.00025%); highest among the groups gnomAD compares: Non-Finnish European, 0.00034%; no homozygotes.

Submissions (2):

Labcorp Genetics (formerly Invitae), Labcorp
Classification: Uncertain significance for Cranioectodermal dysplasia 1. Last evaluated: 2018-12-18. Review status: criteria provided, single submitter. Criteria: Invitae Variant Classification Sherloc (09022015). Collection method: clinical testing. Allele origin: germline.
Comment: This sequence change falls in intron 16 of the IFT122 gene. It does not directly change the encoded amino acid sequence of the IFT122 protein, but it affects a nucleotide within the consensus splice site of the intron. The frequency data for this variant in the population databases is considered unreliable, as metrics indicate poor data quality at this position in the ExAC database. This variant has not been reported in the literature in individuals with IFT122-related conditions. Nucleotide substitutions within the consensus splice site are a relatively common cause of aberrant splicing (PMID: 17576681, 9536098). Algorithms developed to predict the effect of sequence changes on RNA splicing suggest that this variant is not likely to affect RNA splicing, but this prediction has not been confirmed by published transcriptional studies. In summary, the available evidence is currently insufficient to determine the role of this variant in disease. Therefore, it has been classified as a Variant of Uncertain Significance.

PreventionGenetics, part of Exact Sciences
Classification: Likely benign for IFT122-related condition. Last evaluated: 2019-02-21. Review status: no assertion criteria provided. Collection method: clinical testing. Allele origin: germline. Not counted in ClinVar's aggregate classification.
Comment: This variant is classified as likely benign based on ACMG/AMP sequence variant interpretation guidelines (Richards et al. 2015 PMID: 25741868, with internal and published modifications).

NM_052989.3(IFT122):c.1851+5C>T

Gene: IFT122 (intraflagellar transport 122; plus strand). Cytogenetic location: 3q21.3.
Variant type: single nucleotide variant.
Coding change: c.1851+5C>T on transcript NM_052989.3 (MANE Select); 5 bases into the intron after coding-DNA position 1851, C replaced by T.
Molecular consequence: intron variant.
Genome position (GRCh38, 1-based): chr3:129,483,687, C>T. VCF-style: chr3-129483687-C-T. GRCh37 (hg19) VCF-style: chr3-129202530-C-T.
Other names: c.1401+5C>T (NM_001280545.2); c.2004+5C>T (NM_052985.4); c.1827+5C>T (NM_001280541.2); c.1674+5C>T (NM_018262.4); c.1224+5C>T (NM_001280546.2); c.1518+5C>T (NM_052990.3).
Identifiers: ClinVar variation 655999 (VCV000655999.3), dbSNP rs375595062, ClinGen allele CA2606302.
Genomic context (GRCh38, chr3:129,483,687, plus strand): 5'-GCTCCAAGATCTTCTGCCTCCATGTCTTCTCCATTTCTGCCGTGGAGGTGCCGCAGGTAA[C>T]TGGGGGTGCCTGTCCACTCTTAGCACTGGCAAGGCTGACAAGACCAGGGAAGCTGGGCCC-3'